The following is an entry in ClinVar:

ClinVar aggregate classification (germline): Pathogenic. Review status: reviewed by expert panel (3 of 4 stars). 12 submissions from 12 submitters: Pathogenic (1). 11 of the submissions do not count toward it. Last evaluated 2024-04-22.

Conditions:
RPE65-related recessive retinopathy. Also called: Recessive RPE65 retinopathy. Identifiers: MedGen CN305526, MONDO:0100368.
Retinitis pigmentosa 87 with choroidal involvement. Identifiers: MedGen C5231465, MONDO:0032873, OMIM 618697.
Leber congenital amaurosis 2 (LCA2). Also called: Autosomal Recessive RPE65-Related Retinal Degeneration; AMAUROSIS CONGENITA OF LEBER II. Identifiers: Orphanet 65, MedGen C1859844, MONDO:0008765, OMIM 204100. Disease mechanism: loss of function.
Retinitis pigmentosa 20 (RP20). Identifiers: Orphanet 791, MedGen C3151086, MONDO:0013425, OMIM 613794.
RPE65-related disorder. Also called: RPE65-related condition; RPE65-related disorders. Identifiers: MedGen CN239301.
Retinitis pigmentosa (RP). Identifiers: Orphanet 791, MedGen C0035334, MeSH D012174, MONDO:0019200, OMIM 268000. Inheritance: Autosomal dominant, autosomal recessive and X linked inheritance.
Leber congenital amaurosis (LCA). Also called: Leber's amaurosis. Identifiers: Orphanet 65, MedGen C0339527, MeSH D057130, MONDO:0018998.

Allele frequency attached by ClinVar (database versions not stated): gnomAD exomes 0.00002 and 0.00006; gnomAD 0.00003; TOPMed 0.00004.
gnomAD v4.1: 97 of 1,613,616 alleles (0.006%); highest among the groups gnomAD compares: Non-Finnish European, 0.007%; no homozygotes.

Submissions (12):

ClinGen Leber Congenital Amaurosis/early Onset Retinal Dystrophy Variant Curation Expert Panel, ClinGen
Classification: Pathogenic for RPE65-related recessive retinopathy. Last evaluated: 2024-04-22. Review status: reviewed by expert panel. Criteria: ClinGen LCAeoRD ACMG Specifications RPE65 V1.0.0. Collection method: curation. Allele origin: germline. Inheritance: Autosomal recessive inheritance.
Comment: NM_000329.3(RPE65):c.118G>A is a missense variant predicted to replace glycine with serine at position 40. This variant is present in gnomAD v.2.1.1 at a GrpMax allele frequency of 0.00006, with 2 alleles/24966 total alleles in the African/African-American population, which is lower than the ClinGen LCA / eoRD VCEP PM2_Supporting threshold of <0.0002 (PM2_Supporting). The computational predictor REVEL gives a score of 0.984, which is above the ClinGen LCA / eoRD VCEP threshold of ≥ 0.773 and predicts a damaging effect on RPE65 function (PP3_Moderate). The variant exhibited <2 % enzymatic activity in a retinoid isomerase assay relative to the wild-type control, which is lower than the ClinGen LCA / eoRD VCEP PS3_Supporting threshold of <10% activity, indicating that it triggers a severe defect in protein function (PS3_Supporting, PMID: 16150724 ). This variant has been reported in at least 2 unrelated probands with early-onset severe retinal dystrophy who were homozygous for the variant (1 pt, PMID: 25257057, PMID: 33608557). This variant has also been reported in at least 3 probands with early-onset severe retinal dystrophy who were compound heterozygous with either the NM_000329.3(RPE65):c.544C>T (p.His182Tyr) variant confirmed in trans (1 pt, PMID: 9501220, PMID: 11462243), the c.11+5G>A variant suspected in trans (0.5 pts, PMID: 18441371), or the p.Arg91Gln variant suspected in trans (0.5 pts, PMID: 19117922), all of which were previously classified pathogenic by the ClinGen LCA / eoRD VCEP (total 3 pts, PM3_Strong). The variant has been reported to segregate with childhood-onset severe retinal dystrophy through the proband plus 1 similarly affected relative, with the variant present in the compound heterozygous state (PMID: 9501220, PP1). At least one proband harboring this variant exhibits a phenotype including diagnosis of Leber congenital amaurosis (0.5 pts), absent or severely reduced rod ERG (0.5 pts), decreased central visual acuity (1 pt), and significant improvement of visual function by FST after gene-specific gene therapy (8 pts), which together are highly specific for RPE65-related recessive retinopathy (total 10 pts, PMID: 21911650, PP4_Moderate). In summary, this variant meets the criteria to be classified as pathogenic for RPE65-related recessive retinopathy based on the ACMG/AMP criteria applied, as specified by the ClinGen LCA / eoRD VCEP: PS3_Supporting, PM2_Supporting, PM3_Strong, PP1, PP3_Moderate, and PP4_Moderate. (VCEP specifications version 1.0.0; date of approval 09/21/2023).

PreventionGenetics, part of Exact Sciences
Classification: Pathogenic for RPE65-related condition. Last evaluated: 2026-06-30. Review status: criteria provided, single submitter. Criteria: ACMG Guidelines, 2015. Collection method: clinical testing. Allele origin: germline. Not counted in ClinVar's aggregate classification.
Comment: The RPE65 c.118G>A variant is predicted to result in the amino acid substitution p.Gly40Ser. This variant has been reported many times, in the homozygous state or in the heterozygous state along with a second RPE65 variant, in individuals with retinal disease (see for examples: Morimura et al. 1998. PubMed ID: 9501220; Ripamonti et al. 2014. PubMed ID: 25257057; Table S1, Lin et al. 2024. PubMed ID: 38219857). Functional studies using protein expression in cell culture found that the p.Gly40Ser substitution causes a significant decrease in protein activity (Redmond et al. 2005. PubMed ID: 16150724). An alternate substitution of this amino acid residue (p.Gly40Asp) has also been reported in individuals with retinal disease (Li et al. 2017. PubMed ID: 28418496). This variant is present in 0.0096% of alleles in individuals of Ashkenazi Jewish descent in gnomAD. This variant is interpreted as pathogenic for autosomal recessive disease.

Labcorp Genetics (formerly Invitae), Labcorp
Classification: Pathogenic for Leber congenital amaurosis 2; Retinitis pigmentosa 20. Last evaluated: 2026-02-03. Review status: criteria provided, single submitter. Criteria: Invitae Variant Classification Sherloc (09022015). Collection method: clinical testing. Allele origin: germline. Not counted in ClinVar's aggregate classification.
Comment: This sequence change replaces glycine, which is neutral and non-polar, with serine, which is neutral and polar, at codon 40 of the RPE65 protein (p.Gly40Ser). This variant is present in population databases (rs61751281, gnomAD 0.01%). This missense change has been observed in individuals with RPE65-related disease (PMID: 9501220, 25257057, 29332120, 29785639). It has also been observed to segregate with disease in related individuals. ClinVar contains an entry for this variant (Variation ID: 98830). Invitae Evidence Modeling of protein sequence and biophysical properties (such as structural, functional, and spatial information, amino acid conservation, physicochemical variation, residue mobility, and thermodynamic stability) indicates that this missense variant is expected to disrupt RPE65 protein function with a positive predictive value of 80%. Experimental studies have shown that this missense change affects RPE65 function (PMID: 16150724, 19431183). For these reasons, this variant has been classified as Pathogenic.

GeneDx
Classification: Pathogenic. Last evaluated: 2025-08-01. Review status: criteria provided, single submitter. Criteria: GeneDx Variant Classification Process June 2021. Collection method: clinical testing. Allele origin: germline. Affected: yes. Not counted in ClinVar's aggregate classification.
Comment: Published functional studies demonstrate a damaging effect on protein expression and isomerization activity (PMID: 24849605, 16150724); In silico analysis supports that this missense variant has a deleterious effect on protein structure/function; This variant is associated with the following publications: (PMID: 16150724, 15691574, 19959640, 33608557, 37937776, 31964843, 36729443, 38002999, 39975398, 25257057, 24849605, 9501220, 19117922, 29332120, 29785639, 38219857)

Blueprint Genetics
Classification: Pathogenic for RPE65-related disorders. Last evaluated: 2024-11-25. Review status: criteria provided, single submitter. Criteria: ACMG Guidelines, 2015. Collection method: clinical testing. Allele origin: germline. Affected: yes. Observed: 5 variant alleles. Not counted in ClinVar's aggregate classification.

Lab De Baere, Eye and Developmental Genetics Lab, Ghent University
Classification: Pathogenic for Leber congenital amaurosis. Last evaluated: 2024-10-01. Review status: criteria provided, single submitter. Criteria: ACMG Guidelines, 2015. Collection method: research. Allele origin: inherited. Affected: yes. Observed: 1 variant allele. Not counted in ClinVar's aggregate classification.
Comment: ACMG/AMP guidelines: PM2, PP4_PP, PS3, PP1, PM3_1

Natera, Inc.
Classification: Pathogenic for Leber congenital amaurosis. Last evaluated: 2024-08-20. Review status: criteria provided, single submitter. Criteria: Natera Variant Classification Schema (03/2026). Collection method: clinical testing. Allele origin: germline. Not counted in ClinVar's aggregate classification.
Comment: The c.118G>A variant in RPE65 is a missense variant predicted to cause substitution of glycine to serine at amino acid 40. This variant is rare in the general population with a frequency below the threshold expected for the associated phenotype(s). This variant has been observed in one or more individuals affected with the associated recessive disease, as either homozygous or compound heterozygous with a second variant (PMID: 25257057, 25324289, 19117922). Given the available evidence, this variant is classified as Pathogenic.

Baylor Genetics
Classification: Pathogenic for Leber congenital amaurosis 2. Last evaluated: 2024-03-30. Review status: criteria provided, single submitter. Criteria: ACMG Guidelines, 2015. Collection method: clinical testing. Allele origin: unknown. Not counted in ClinVar's aggregate classification.

Fulgent Genetics
Classification: Pathogenic for Leber congenital amaurosis 2; Retinitis pigmentosa 20; Retinitis pigmentosa 87 with choroidal involvement. Last evaluated: 2021-09-20. Review status: criteria provided, single submitter. Criteria: ACMG Guidelines, 2015. Collection method: clinical testing. Allele origin: unknown. Not counted in ClinVar's aggregate classification.

Department of Ophthalmology and Visual Sciences Kyoto University
Classification: Pathogenic for Retinitis pigmentosa. Review status: no assertion criteria provided. Collection method: not provided. Allele origin: unknown. Not counted in ClinVar's aggregate classification.
ClinVar note: Converted during submission from pathogenic to Pathogenic.

Laboratory of Genetics in Ophthalmology, Institut Imagine
Classification: Pathogenic for Leber congenital amaurosis 2. Review status: no assertion criteria provided. Collection method: research. Allele origin: inherited. Affected: yes. Observed: 1 variant allele. Not counted in ClinVar's aggregate classification.

Retina International
No classification provided. Review status: no classification provided. Collection method: not provided. Allele origin: not provided. Not counted in ClinVar's aggregate classification.

Literature cited by the submitters: PubMed 9501220 (cited by Labcorp Genetics (formerly Invitae), Labcorp and Laboratory of Genetics in Ophthalmology, Institut Imagine); PubMed 25257057 (cited by Labcorp Genetics (formerly Invitae), Labcorp and Natera, Inc.); PubMed 29332120 (cited by Labcorp Genetics (formerly Invitae), Labcorp); PubMed 29785639 (cited by Labcorp Genetics (formerly Invitae), Labcorp); PubMed 16150724 (cited by Labcorp Genetics (formerly Invitae), Labcorp); PubMed 19431183 (cited by Labcorp Genetics (formerly Invitae), Labcorp); PubMed 25324289 (cited by Natera, Inc.); PubMed 19117922 (cited by Natera, Inc.).

NM_000329.3(RPE65):c.118G>A (p.Gly40Ser)

Gene: RPE65 (retinoid isomerohydrolase RPE65; minus strand). Cytogenetic location: 1p31.3.
Variant type: single nucleotide variant.
Coding change: c.118G>A on transcript NM_000329.3 (MANE Select); coding-DNA position 118, G replaced by A.
Protein change: p.Gly40Ser; replaces glycine 40 with serine.
Molecular consequence: missense variant.
Genome position (GRCh38, 1-based): chr1:68,446,837, C>T on the plus strand (G>A on the coding strand, the complement: RPE65 is on the minus strand). VCF-style: chr1-68446837-C-T. GRCh37 (hg19) VCF-style: chr1-68912520-C-T.
Other names: NM_000329.3(RPE65):c.118G>A; short protein forms G40S.
Identifiers: ClinVar variation 98830 (VCV000098830.24), dbSNP rs61751281, ClinGen allele CA226491.